The following is an entry in ClinVar:

ClinVar aggregate classification (germline): Benign/Likely benign. Review status: criteria provided, multiple submitters, no conflicts (2 of 4 stars). 19 submissions from 18 submitters: Benign (12); Likely benign (7). Last evaluated 2026-07-01.

Conditions:
Hereditary cancer-predisposing syndrome. Also called: Hereditary neoplastic syndrome; Hereditary Cancer Syndrome; Neoplastic Syndromes, Hereditary; Tumor predisposition. Identifiers: Orphanet 140162, MedGen C0027672, MeSH D009386, MONDO:0015356.
Lymphangiomyomatosis (LAM). Also called: Lymphangioleiomyomatosis; Lymphangioleiomyomatosis, somatic. Identifiers: Orphanet 538, MedGen C0751674, MONDO:0011705, OMIM 606690.
Tuberous sclerosis 1 (TSC1). Identifiers: Orphanet 805, MedGen C1854465, MONDO:0008612, OMIM 191100.
Isolated focal cortical dysplasia type II (FCORD2). Also called: CORTICAL DYSPLASIA OF TAYLOR; Focal cortical dysplasia type II. Identifiers: Orphanet 268994, MedGen C1846385, MONDO:0011818, OMIM 607341, HP:0032051.
Tuberous sclerosis syndrome (TSC). Also called: Tuberous Sclerosis Complex; Tuberous sclerosis. Identifiers: Orphanet 805, MedGen C0041341, MONDO:0001734.

Allele frequency attached by ClinVar (database versions not stated): gnomAD 0.00070; TOPMed 0.00117; 1000 Genomes Project 0.00120; 1000 Genomes Project 30x 0.00125; ESP Exome Variant Server 0.00154.
gnomAD v4.1: 330 of 1,614,154 alleles (0.02%); highest among the groups gnomAD compares: African/African-American, 0.33%; 1 homozygote.

Submissions (19):

CeGaT Center for Human Genetics Tuebingen
Classification: Likely benign. Last evaluated: 2026-07-01. Review status: criteria provided, single submitter. Criteria: CeGaT Center For Human Genetics Tuebingen Variant Classification Criteria Version 2. Collection method: clinical testing. Allele origin: germline. Affected: yes. Observed: 4 variant alleles.
Comment: TSC1: BP4, BP7, BS1

Women's Health and Genetics/Laboratory Corporation of America, LabCorp
Classification: Benign. Last evaluated: 2026-04-24. Review status: criteria provided, single submitter. Criteria: LabCorp Variant Classification Summary - May 2015. Collection method: clinical testing. Allele origin: germline.

Labcorp Genetics (formerly Invitae), Labcorp
Classification: Benign for Tuberous sclerosis 1. Last evaluated: 2026-01-28. Review status: criteria provided, single submitter. Criteria: Invitae Variant Classification Sherloc (09022015). Collection method: clinical testing. Allele origin: germline.

Myriad Genetics, Inc.
Classification: Benign for Tuberous sclerosis 1. Last evaluated: 2025-04-08. Review status: criteria provided, single submitter. Criteria: Myriad Autosomal Dominant, Autosomal Recessive and X-Linked Classification Criteria (2023). Collection method: clinical testing. Allele origin: unknown.
Comment: This variant is considered benign. This variant is a silent/synonymous amino acid change and it is not expected to impact splicing.

KCCC/NGS Laboratory, Kuwait Cancer Control Center
Classification: Benign for Tuberous sclerosis 1. Last evaluated: 2025-02-01. Review status: criteria provided, single submitter. Criteria: ACMG Guidelines, 2015. Collection method: clinical testing. Allele origin: germline. Affected: no.

ARUP Laboratories, Molecular Genetics and Genomics, ARUP Laboratories
Classification: Benign. Last evaluated: 2024-02-14. Review status: criteria provided, single submitter. Criteria: ARUP Molecular Germline Variant Investigation Process 2024. Collection method: clinical testing. Allele origin: germline.

All of Us Research Program, National Institutes of Health
Classification: Benign for Tuberous sclerosis syndrome. Last evaluated: 2024-02-05. Review status: criteria provided, single submitter. Criteria: ACMG Guidelines, 2015. Collection method: clinical testing. Allele origin: germline. Inheritance: Autosomal dominant inheritance. Observed: 74 variant alleles, 74 heterozygotes.
Comment: This study involves interpretation of variants in research participants for the purpose of population health screening. Participant phenotype was not available at the time of variant classification. Additional details can be found in publication PMID: 35346344, PMCID: PMC8962531

Blueprint Genetics
Classification: Likely benign. Last evaluated: 2024-02-01. Review status: criteria provided, single submitter. Criteria: ACMG Guidelines, 2015. Collection method: clinical testing. Allele origin: germline.

Color Diagnostics, LLC DBA Color Health
Classification: Benign for Tuberous sclerosis syndrome. Last evaluated: 2022-05-17. Review status: criteria provided, single submitter. Criteria: ACMG Guidelines, 2015. Collection method: clinical testing. Allele origin: germline.

Fulgent Genetics
Classification: Likely benign for Tuberous sclerosis 1; Lymphangiomyomatosis; Isolated focal cortical dysplasia type II. Last evaluated: 2021-11-24. Review status: criteria provided, single submitter. Criteria: ACMG Guidelines, 2015. Collection method: clinical testing. Allele origin: unknown.

Genome-Nilou Lab
Classification: Benign for Tuberous sclerosis 1. Last evaluated: 2021-11-07. Review status: criteria provided, single submitter. Criteria: ACMG Guidelines, 2015. Collection method: clinical testing. Allele origin: germline. Affected: no.

Sema4
Classification: Benign for Hereditary cancer-predisposing syndrome. Last evaluated: 2021-04-23. Review status: criteria provided, single submitter. Criteria: Sema4 Curation Guidelines. Collection method: curation. Allele origin: germline.

Illumina Laboratory Services, Illumina
Classification: Likely benign for Tuberous sclerosis 1. Last evaluated: 2018-03-26. Review status: criteria provided, single submitter. Criteria: ICSL Variant Classification Criteria 13 December 2019. Collection method: clinical testing. Allele origin: germline.
Comment: This variant was observed as part of a predisposition screen in an ostensibly healthy population. A literature search was performed for the gene, cDNA change, and amino acid change (where applicable). No publications were found based on this search. Allele frequency data from public databases allowed determination this variant is unlikely to cause disease. Therefore, this variant is classified as likely benign.

Illumina Laboratory Services, Illumina
Classification: Likely benign for Isolated focal cortical dysplasia type II. Last evaluated: 2018-03-26. Review status: criteria provided, single submitter. Criteria: ICSL Variant Classification Criteria 13 December 2019. Collection method: clinical testing. Allele origin: germline.
Comment: the same text as in the submission from Illumina Laboratory Services, Illumina above.

Eurofins Ntd Llc (ga)
Classification: Likely benign. Last evaluated: 2016-09-15. Review status: criteria provided, single submitter. Criteria: EGL Classification Definitions 2015. Collection method: clinical testing. Allele origin: germline. Observed: 1 variant allele, 1 heterozygote.

Quest Diagnostics Nichols Institute San Juan Capistrano
Classification: Benign. Last evaluated: 2015-05-01. Review status: criteria provided, single submitter. Criteria: Quest Diagnostics criteria. Collection method: clinical testing. Allele origin: unknown.

Ambry Genetics
Classification: Benign for Hereditary cancer-predisposing syndrome. Last evaluated: 2015-03-16. Review status: criteria provided, single submitter. Criteria: Ambry Variant Classification Scheme 2023. Collection method: clinical testing. Allele origin: germline.

GeneDx
Classification: Benign. Last evaluated: 2015-03-03. Review status: criteria provided, single submitter. Criteria: GeneDx Variant Classification Process June 2021. Collection method: clinical testing. Allele origin: germline. Affected: yes.

PreventionGenetics, part of Exact Sciences
Classification: Likely benign. Review status: criteria provided, single submitter. Criteria: ACMG Guidelines, 2015. Collection method: clinical testing. Allele origin: germline.

NM_000368.5(TSC1):c.273G>A (p.Ser91=)

Gene: TSC1 (TSC complex subunit 1; minus strand). Cytogenetic location: 9q34.13.
Variant type: single nucleotide variant.
Coding change: c.273G>A on transcript NM_000368.5 (MANE Select); coding-DNA position 273, G replaced by A.
Protein change: p.Ser91=; no amino-acid change (serine 91 retained).
Molecular consequence: synonymous variant. On other transcripts: 5 prime UTR variant (1), intron variant (1).
Genome position (GRCh38, 1-based): chr9:132,925,677, C>T on the plus strand (G>A on the coding strand, the complement: TSC1 is on the minus strand). VCF-style: chr9-132925677-C-T. GRCh37 (hg19) VCF-style: chr9-135801064-C-T.
Other names: c.273G>A, p.Ser91= (NM_001162426.2); c.-91G>A (NM_001362177.2); c.210+1524G>A (NM_001162427.2).
Identifiers: ClinVar variation 237711 (VCV000237711.64), dbSNP rs115097221, ClinGen allele CA034468.